The following is an entry in ClinVar:

NM_133510.4(RAD51B):c.316-14_316-3dup

Gene: RAD51B (RAD51 paralog B; plus strand). Cytogenetic location: 14q24.1.
Variant type: Duplication.
Coding change: c.316-14_316-3dup on transcript NM_133510.4 (MANE Select); 14 bases into the intron before coding-DNA position 316 through 3 bases into the intron before coding-DNA position 316, 12 bases duplicated (TTTTTTTTTTTT).
Molecular consequence: intron variant.
Genome position (GRCh38, 1-based): chr14:67,864,989-67,865,000, TTTTTTTTTTTT duplicated; duplicating any 12 consecutive bases within chr14:67,864,962-67,865,000 gives the same sequence; the c. name uses the placement nearest the transcript's 3' end. VCF-style (leftmost placement, unchanged base first): chr14-67864961-C-CTTTTTTTTTTTT. GRCh37 (hg19) VCF-style: chr14-68331678-C-CTTTTTTTTTTTT.
Other names: c.316-14_316-3dup (NM_001321818.2, NM_001321809.2, NM_001321821.2 and 6 more transcripts); c.-42-14_-42-3dup (NM_001321817.2); c.202-14_202-3dup (NM_001321815.1).
Identifiers: ClinVar variation 3056969 (VCV003056969.2), dbSNP rs745505141, ClinGen allele CA964257151.

ClinVar aggregate classification (germline): Likely benign (0 of 4 stars; one submission).

Conditions:
RAD51B-related disorder. Also called: RAD51B-related condition.

Submission:

PreventionGenetics, part of Exact Sciences
Classification: Likely benign for RAD51B-related condition. Last evaluated: 2020-10-12. Review status: no assertion criteria provided. Collection method: clinical testing. Allele origin: germline.
Comment: This variant is classified as likely benign based on ACMG/AMP sequence variant interpretation guidelines (Richards et al. 2015 PMID: 25741868, with internal and published modifications).